The following is an entry in ClinVar:

ClinVar aggregate classification (germline): Pathogenic (1 of 4 stars; one submission).

gnomAD v4.1: 7 of 1,613,872 alleles (0.00043%); highest among the groups gnomAD compares: Non-Finnish European, 0.00059%; no homozygotes.

Submission:

Labcorp Genetics (formerly Invitae), Labcorp
Classification: Pathogenic. Last evaluated: 2024-10-28. Review status: criteria provided, single submitter. Criteria: Invitae Variant Classification Sherloc (09022015). Collection method: clinical testing. Allele origin: germline.
Comment: This sequence change replaces tryptophan, which is neutral and slightly polar, with serine, which is neutral and polar, at codon 440 of the CNGA3 protein (p.Trp440Ser). This variant is present in population databases (no rsID available, gnomAD 0.002%). This missense change has been observed in individual(s) with clinical features of achromatopsia (PMID: 30682209; internal data). In at least one individual the data is consistent with being in trans (on the opposite chromosome) from a pathogenic variant. ClinVar contains an entry for this variant (Variation ID: 1376980). Invitae Evidence Modeling of protein sequence and biophysical properties (such as structural, functional, and spatial information, amino acid conservation, physicochemical variation, residue mobility, and thermodynamic stability) indicates that this missense variant is expected to disrupt CNGA3 protein function with a positive predictive value of 95%. For these reasons, this variant has been classified as Pathogenic.

Literature cited by the submitters: PubMed 30682209.

NM_001298.3(CNGA3):c.1319G>C (p.Trp440Ser)

Gene: CNGA3 (cyclic nucleotide gated channel subunit alpha 3; plus strand). Cytogenetic location: 2q11.2.
Variant type: single nucleotide variant.
Coding change: c.1319G>C on transcript NM_001298.3 (MANE Select); coding-DNA position 1319, G replaced by C.
Protein change: p.Trp440Ser; replaces tryptophan 440 with serine.
Molecular consequence: missense variant.
Genome position (GRCh38, 1-based): chr2:98,396,489, G>C. VCF-style: chr2-98396489-G-C. GRCh37 (hg19) VCF-style: chr2-99012952-G-C.
Other names: c.1265G>C, p.Trp422Ser (NM_001079878.2); short protein forms W422S, W440S.
Identifiers: ClinVar variation 1376980 (VCV001376980.5), dbSNP rs1459484455, ClinGen allele CA347833296.
Genomic context (GRCh38, chr2:98,396,489, plus strand): 5'-TCAAGCAGTACATGCAGTTCCGCAAGGTCACCAAGGACTTGGAGACGCGGGTTATCCGGT[G>C]GTTTGACTACCTGTGGGCCAACAAGAAGACGGTGGATGAGAAGGAGGTGCTCAAGAGCCT-3'
Protein context (NP_001289.1, residues 430-450): TKDLETRVIR[Trp440Ser]FDYLWANKKT